The following is an entry in ClinVar:

ClinVar aggregate classification (germline): Uncertain significance (1 of 4 stars; one submission).

gnomAD v4.1: 1 of 1,613,586 alleles (0.000062%); highest among the groups gnomAD compares: Non-Finnish European, 0.000085%; no homozygotes.

Submission:

Labcorp Genetics (formerly Invitae), Labcorp
Classification: Uncertain significance. Last evaluated: 2025-04-26. Review status: criteria provided, single submitter. Criteria: Invitae Variant Classification Sherloc (09022015). Collection method: clinical testing. Allele origin: germline.
Comment: This sequence change replaces glycine, which is neutral and non-polar, with arginine, which is basic and polar, at codon 1195 of the RIMS1 protein (p.Gly1195Arg). This variant is not present in population databases (gnomAD no frequency). This variant has not been reported in the literature in individuals affected with RIMS1-related conditions. ClinVar contains an entry for this variant (Variation ID: 1056399). An algorithm developed to predict the effect of missense changes on protein structure and function (PolyPhen-2) suggests that this variant is likely to be disruptive. In summary, the available evidence is currently insufficient to determine the role of this variant in disease. Therefore, it has been classified as a Variant of Uncertain Significance.

NM_014989.7(RIMS1):c.3583G>A (p.Gly1195Arg)

Gene: RIMS1 (regulating synaptic membrane exocytosis 1; plus strand). Cytogenetic location: 6q13.
Variant type: single nucleotide variant.
Coding change: c.3583G>A on transcript NM_014989.7 (MANE Select); coding-DNA position 3583, G replaced by A.
Protein change: p.Gly1195Arg; replaces glycine 1195 with arginine.
Molecular consequence: missense variant. On other transcripts: intron variant (56).
Genome position (GRCh38, 1-based): chr6:72,290,707, G>A. VCF-style: chr6-72290707-G-A. GRCh37 (hg19) VCF-style: chr6-73000410-G-A.
Other names: c.1657G>A, p.Gly553Arg (NM_001350420.2); c.1639G>A, p.Gly547Arg (NM_001350431.2); c.1726G>A, p.Gly576Arg (NM_001350438.2, NM_001350456.2); c.1729G>A, p.Gly577Arg (NM_001350442.2, NM_001350446.2); c.1588G>A, p.Gly530Arg (NM_001350462.2); c.1632-1227G>A (NM_001350428.2); c.1560-1227G>A (NM_001350459.2, NM_001350424.2); c.1641-1227G>A (NM_001350437.2); and 31 more; short protein forms G1195R, G530R, G547R, G553R, G576R, G577R.
Identifiers: ClinVar variation 1056399 (VCV001056399.9), dbSNP rs2154249615, ClinGen allele CA364689204.